The following is an entry in ClinVar:

ClinVar aggregate classification (germline): Uncertain significance. Review status: criteria provided, multiple submitters, no conflicts (2 of 4 stars). 2 submissions from 2 submitters: Uncertain significance (2). Last evaluated 2025-10-23.

Conditions:
Familial hypobetalipoproteinemia 1. Also called: APOB-Related Familial Hypobetalipoproteinemia; Hypobetalipoproteinemia, normotriglyceridemic; Acanthocytosis with hypobetalipoproteinemia. Identifiers: MedGen C4551990, MONDO:0014252, OMIM 615558.
Hypercholesterolemia, autosomal dominant, type B (FHCL2). Also called: Familial Hypercholesterolemia Type B; APOLIPOPROTEIN B-100, FAMILIAL DEFECTIVE; APOLIPOPROTEIN B-100, FAMILIAL LIGAND-DEFECTIVE; APOB-Related Familial Hypercholesterolemia, Autosomal Dominant; Familial hypercholesterolemia 2; Hyperlipoproteinemia Type IIb. Identifiers: MedGen C1704417, MONDO:0007751, OMIM 144010.

Submissions (2):

Labcorp Genetics (formerly Invitae), Labcorp
Classification: Uncertain significance for Familial hypobetalipoproteinemia 1; Hypercholesterolemia, autosomal dominant, type B. Last evaluated: 2025-10-23. Review status: criteria provided, single submitter. Criteria: Invitae Variant Classification Sherloc (09022015). Collection method: clinical testing. Allele origin: germline.
Comment: This sequence change replaces threonine, which is neutral and polar, with isoleucine, which is neutral and non-polar, at codon 4335 of the APOB protein (p.Thr4335Ile). This variant is not present in population databases (gnomAD no frequency). This variant has not been reported in the literature in individuals affected with APOB-related conditions. ClinVar contains an entry for this variant (Variation ID: 978354). Invitae Evidence Modeling of protein sequence and biophysical properties (such as structural, functional, and spatial information, amino acid conservation, physicochemical variation, residue mobility, and thermodynamic stability) indicates that this missense variant is not expected to disrupt APOB protein function with a negative predictive value of 95%. In summary, the available evidence is currently insufficient to determine the role of this variant in disease. Therefore, it has been classified as a Variant of Uncertain Significance.

Molecular Diagnostic Laboratory for Inherited Cardiovascular Disease, Montreal Heart Institute
Classification: Uncertain significance. Last evaluated: 2020-02-18. Review status: criteria provided, single submitter. Criteria: ACMG Guidelines, 2015. Collection method: clinical testing. Allele origin: germline. Affected: yes.

NM_000384.3(APOB):c.13004C>T (p.Thr4335Ile)

Gene: APOB (apolipoprotein B; minus strand). Cytogenetic location: 2p24.1.
Variant type: single nucleotide variant.
Coding change: c.13004C>T on transcript NM_000384.3 (MANE Select); coding-DNA position 13004, C replaced by T.
Protein change: p.Thr4335Ile; replaces threonine 4335 with isoleucine.
Molecular consequence: missense variant.
Genome position (GRCh38, 1-based): chr2:21,002,418, G>A on the plus strand (C>T on the coding strand, the complement: APOB is on the minus strand). VCF-style: chr2-21002418-G-A. GRCh37 (hg19) VCF-style: chr2-21225290-G-A.
Other names: short protein forms T4335I.
Identifiers: ClinVar variation 978354 (VCV000978354.3), dbSNP rs1663008802, ClinGen allele CA345969861.